The following is an entry in ClinVar:

ClinVar aggregate classification (germline): Conflicting classifications of pathogenicity. Review status: criteria provided, conflicting classifications (1 of 4 stars). 2 submissions from 2 submitters: Uncertain significance (1); Benign (1). Last evaluated 2025-09-04.

Conditions:
Familial thoracic aortic aneurysm and aortic dissection (TAAD). Also called: Thoracic aortic aneurysms and dissections. Identifiers: Orphanet 91387, MedGen C4707243, MONDO:0019625.
Adams-Oliver syndrome 5 (AOS5). Identifiers: Orphanet 974, MedGen C4014970, MONDO:0014459, OMIM 616028.

Allele frequency attached by ClinVar (database versions not stated): TOPMed below 0.00001; ExAC 0.00001; gnomAD 0.00001; gnomAD exomes 0.00002; ESP Exome Variant Server 0.00008.

Submissions (2):

Ambry Genetics
Classification: Uncertain significance for Familial thoracic aortic aneurysm and aortic dissection. Last evaluated: 2025-09-04. Review status: criteria provided, single submitter. Criteria: Ambry Variant Classification Scheme 2023. Collection method: clinical testing. Allele origin: germline.
Comment: The p.D1912N variant (also known as c.5734G>A), located in coding exon 31 of the NOTCH1 gene, results from a G to A substitution at nucleotide position 5734. The aspartic acid at codon 1912 is replaced by asparagine, an amino acid with highly similar properties. This amino acid position is conserved. In addition, this alteration is predicted to be tolerated by in silico analysis. Since supporting evidence is limited at this time, the clinical significance of this alteration remains unclear.

Labcorp Genetics (formerly Invitae), Labcorp
Classification: Benign for Adams-Oliver syndrome 5. Last evaluated: 2023-01-22. Review status: criteria provided, single submitter. Criteria: Invitae Variant Classification Sherloc (09022015). Collection method: clinical testing. Allele origin: germline.

NM_017617.5(NOTCH1):c.5734G>A (p.Asp1912Asn)

Gene: NOTCH1 (notch receptor 1; minus strand). Cytogenetic location: 9q34.3.
Variant type: single nucleotide variant.
Coding change: c.5734G>A on transcript NM_017617.5 (MANE Select); coding-DNA position 5734, G replaced by A.
Protein change: p.Asp1912Asn; replaces aspartic acid 1912 with asparagine.
Molecular consequence: missense variant.
Genome position (GRCh38, 1-based): chr9:136,500,752, C>T on the plus strand (G>A on the coding strand, the complement: NOTCH1 is on the minus strand). VCF-style: chr9-136500752-C-T. GRCh37 (hg19) VCF-style: chr9-139395204-C-T.
Other names: short protein forms D1912N.
Identifiers: ClinVar variation 1477918 (VCV001477918.11), dbSNP rs375978224, ClinGen allele CA5340136.